The following is an entry in ClinVar:

NM_000179.3(MSH6):c.3090G>T (p.Lys1030Asn)

Gene: MSH6 (mutS homolog 6; plus strand). Cytogenetic location: 2p16.3.
Variant type: single nucleotide variant.
Coding change: c.3090G>T on transcript NM_000179.3 (MANE Select); coding-DNA position 3090, G replaced by T.
Protein change: p.Lys1030Asn; replaces lysine 1030 with asparagine.
Molecular consequence: missense variant.
Genome position (GRCh38, 1-based): chr2:47,801,073, G>T. VCF-style: chr2-47801073-G-T. GRCh37 (hg19) VCF-style: chr2-48028212-G-T.
Other names: c.2793G>T, p.Lys931Asn (NM_001406824.1, NM_001406825.1, NM_001406827.1 and 10 more transcripts); c.2922G>T, p.Lys974Asn (NM_001406826.1); c.2184G>T, p.Lys728Asn (NM_001406829.1, NM_001281493.2, NM_001281494.2 and 6 more transcripts); c.1035G>T, p.Lys345Asn (NM_001407362.1); c.2700G>T, p.Lys900Asn (NM_001281492.2); c.3186G>T, p.Lys1062Asn (NM_001406795.1, NM_001406802.1); c.3090G>T, p.Lys1030Asn (NM_001406796.1, NM_001406798.1, NM_001406800.1 and 2 more transcripts); c.2565G>T, p.Lys855Asn (NM_001406799.1, NM_001406806.1, NM_001406807.1); and 2 more; short protein forms K1062N, K345N, K900N, K974N, K1004N, K1032N, K1030N, K728N.
Identifiers: ClinVar variation 1727465 (VCV001727465.4), dbSNP rs2530712900, ClinGen allele CA346756580.

ClinVar aggregate classification (germline): Uncertain significance. Review status: criteria provided, multiple submitters, no conflicts (2 of 4 stars). 2 submissions from 2 submitters: Uncertain significance (2). Last evaluated 2021-07-06.

Conditions:
Breast and/or ovarian cancer. Identifiers: MedGen CN221562.
Hereditary cancer-predisposing syndrome. Also called: Tumor predisposition; Neoplastic Syndromes, Hereditary; Hereditary Cancer Syndrome; Hereditary neoplastic syndrome. Identifiers: Orphanet 140162, MedGen C0027672, MeSH D009386, MONDO:0015356.

Submissions (2):

CHEO Genetics Diagnostic Laboratory, Children's Hospital of Eastern Ontario
Classification: Uncertain significance for Breast and/or ovarian cancer. Last evaluated: 2021-07-06. Review status: criteria provided, single submitter. Criteria: ACMG Guidelines, 2015. Collection method: clinical testing. Allele origin: germline.

Ambry Genetics
Classification: Uncertain significance for Hereditary cancer-predisposing syndrome. Last evaluated: 2021-03-09. Review status: criteria provided, single submitter. Criteria: Ambry Variant Classification Scheme 2023. Collection method: clinical testing. Allele origin: germline.
Comment: The p.K1030N variant (also known as c.3090G>T), located in coding exon 4 of the MSH6 gene, results from a G to T substitution at nucleotide position 3090. The lysine at codon 1030 is replaced by asparagine, an amino acid with similar properties. This amino acid position is highly conserved in available vertebrate species. In addition, the in silico prediction for this alteration is inconclusive. Since supporting evidence is limited at this time, the clinical significance of this alteration remains unclear.